The following is an entry in ClinVar:

ClinVar aggregate classification (germline): Likely benign (1 of 4 stars; one submission).

Conditions:
KMT2D-related disorder. Also called: KMT2D-Related Disorders.

gnomAD v4.1: 2 of 1,612,132 alleles (0.00012%); highest among the groups gnomAD compares: Admixed American, 0.0017%; no homozygotes.

Submission:

PreventionGenetics, part of Exact Sciences
Classification: Likely benign for KMT2D-related condition. Last evaluated: 2025-10-30. Review status: criteria provided, single submitter. Criteria: ACMG Guidelines, 2015. Collection method: clinical testing. Allele origin: germline.
Comment: This variant is classified as likely benign based on ACMG/AMP sequence variant interpretation guidelines (Richards et al. 2015 PMID: 25741868, with internal and published modifications).

NM_003482.4(KMT2D):c.15648T>C (p.Tyr5216=)

Gene: KMT2D (lysine methyltransferase 2D; minus strand). Cytogenetic location: 12q13.12.
Variant type: single nucleotide variant.
Coding change: c.15648T>C on transcript NM_003482.4 (MANE Select); coding-DNA position 15648, T replaced by C.
Protein change: p.Tyr5216=; no amino-acid change (tyrosine 5216 retained).
Molecular consequence: synonymous variant.
Genome position (GRCh38, 1-based): chr12:49,026,318, A>G on the plus strand (T>C on the coding strand, the complement: KMT2D is on the minus strand). VCF-style: chr12-49026318-A-G. GRCh37 (hg19) VCF-style: chr12-49420101-A-G.
Identifiers: ClinVar variation 4979638 (VCV004979638.1).
Genomic context (GRCh38, chr12:49,026,318, plus strand): 5'-GTTGTTCTCACCAATAGAACAGCGATAGCAGCAGCGACGATTGTTGGTGCGGAGGCTCCA[A>G]TAGATGCGCGTGGCCTCGTAGCCCACGGGATAGAGGGCAGTGGCACTATGAAAGTCAGCC-3'
Protein context (NP_003473.3, residues 5206-5226): YPVGYEATRI[Tyr5216=]WSLRTNNRRC